The following is an entry in ClinVar:

NM_001379286.1(ZNF423):c.40+33060A>C

Gene: ZNF423 (zinc finger protein 423; minus strand). Cytogenetic location: 16q12.1.
Variant type: single nucleotide variant.
Coding change: c.40+33060A>C on transcript NM_001379286.1 (MANE Select); 33060 bases into the intron after coding-DNA position 40, A replaced by C.
Molecular consequence: intron variant. On other transcripts: missense variant (1).
Genome position (GRCh38, 1-based): chr16:49,822,675, T>G on the plus strand (A>C on the coding strand, the complement: ZNF423 is on the minus strand). VCF-style: chr16-49822675-T-G. GRCh37 (hg19) VCF-style: chr16-49856586-T-G.
Other names: c.11A>C, p.Lys4Thr (NM_015069.5); c.-164-33129A>C (NM_001271620.2); short protein forms K4T.
Identifiers: ClinVar variation 934003 (VCV000934003.7), dbSNP rs1423494389, ClinGen allele CA396110866.

ClinVar aggregate classification (germline): Uncertain significance (1 of 4 stars; one submission).

Conditions:
Nephronophthisis 14 (NPHP14). Identifiers: Orphanet 2318, MedGen C3539071, MONDO:0013916, OMIM 614844.

Allele frequency attached by ClinVar (database versions not stated): gnomAD 0.00001; gnomAD exomes 0.00001; TOPMed 0.00001.
gnomAD v4.1: 11 of 1,612,000 alleles (0.00068%); highest among the groups gnomAD compares: Non-Finnish European, 0.00093%; no homozygotes.

Submission:

Labcorp Genetics (formerly Invitae), Labcorp
Classification: Uncertain significance for Nephronophthisis 14. Last evaluated: 2021-08-31. Review status: criteria provided, single submitter. Criteria: Invitae Variant Classification Sherloc (09022015). Collection method: clinical testing. Allele origin: germline.
Comment: This sequence change replaces lysine with threonine at codon 4 of the ZNF423 protein (p.Lys4Thr). The lysine residue is weakly conserved and there is a moderate physicochemical difference between lysine and threonine. This variant is not present in population databases (ExAC no frequency). This variant has not been reported in the literature in individuals affected with ZNF423-related conditions. Algorithms developed to predict the effect of missense changes on protein structure and function (SIFT, PolyPhen-2, Align-GVGD) all suggest that this variant is likely to be tolerated. In summary, the available evidence is currently insufficient to determine the role of this variant in disease. Therefore, it has been classified as a Variant of Uncertain Significance.